The following is an entry in ClinVar:

ClinVar aggregate classification (germline): Conflicting classifications of pathogenicity. Review status: criteria provided, conflicting classifications (1 of 4 stars). 2 submissions from 2 submitters: Likely pathogenic (1); Uncertain significance (1). Last evaluated 2025-09-14.

Allele frequency attached by ClinVar (database versions not stated): gnomAD exomes below 0.00001; ExAC 0.00001.

Submissions (2):

Labcorp Genetics (formerly Invitae), Labcorp
Classification: Likely pathogenic. Last evaluated: 2025-09-14. Review status: criteria provided, single submitter. Criteria: Invitae Variant Classification Sherloc (09022015). Collection method: clinical testing. Allele origin: germline.
Comment: This sequence change replaces threonine, which is neutral and polar, with proline, which is neutral and non-polar, at codon 971 of the ABCA4 protein (p.Thr971Pro). This variant is present in population databases (rs745825311, gnomAD 0.003%). This missense change has been observed in individual(s) with retinal dystrophy (internal data). ClinVar contains an entry for this variant (Variation ID: 866288). Invitae Evidence Modeling of protein sequence and biophysical properties (such as structural, functional, and spatial information, amino acid conservation, physicochemical variation, residue mobility, and thermodynamic stability) indicates that this missense variant is expected to disrupt ABCA4 protein function with a positive predictive value of 95%. This variant disrupts the p.Thr971 amino acid residue in ABCA4. Other variant(s) that disrupt this residue have been determined to be pathogenic (PMID: 25922843, 28355279, 31934596). This suggests that this residue is clinically significant, and that variants that disrupt this residue are likely to be disease-causing. In summary, the currently available evidence indicates that the variant is pathogenic, but additional data are needed to prove that conclusively. Therefore, this variant has been classified as Likely Pathogenic.

Blueprint Genetics
Classification: Uncertain significance. Last evaluated: 2019-02-05. Review status: criteria provided, single submitter. Criteria: ACMG Guidelines, 2015. Collection method: clinical testing. Allele origin: germline.

Literature cited by the submitters: PubMed 25922843 (cited by Labcorp Genetics (formerly Invitae), Labcorp); PubMed 28355279 (cited by Labcorp Genetics (formerly Invitae), Labcorp); PubMed 31934596 (cited by Labcorp Genetics (formerly Invitae), Labcorp).

NM_000350.3(ABCA4):c.2911A>C (p.Thr971Pro)

Gene: ABCA4 (ATP binding cassette subfamily A member 4; minus strand). Cytogenetic location: 1p22.1.
Variant type: single nucleotide variant.
Coding change: c.2911A>C on transcript NM_000350.3 (MANE Select); coding-DNA position 2911, A replaced by C.
Protein change: p.Thr971Pro; replaces threonine 971 with proline.
Molecular consequence: missense variant.
Genome position (GRCh38, 1-based): chr1:94,046,926, T>G on the plus strand (A>C on the coding strand, the complement: ABCA4 is on the minus strand). VCF-style: chr1-94046926-T-G. GRCh37 (hg19) VCF-style: chr1-94512482-T-G.
Other names: c.2689A>C, p.Thr897Pro (NM_001425324.1); short protein forms T971P, T897P.
Identifiers: ClinVar variation 866288 (VCV000866288.12), dbSNP rs745825311, ClinGen allele CA958123.